The following is an entry in ClinVar:

ClinVar aggregate classification (germline): Benign/Likely benign. Review status: criteria provided, multiple submitters, no conflicts (2 of 4 stars). 4 submissions from 4 submitters: Benign (3); Likely benign (1). Last evaluated 2026-02-01.

Conditions:
Retinitis pigmentosa (RP). Identifiers: Orphanet 791, MedGen C0035334, MeSH D012174, MONDO:0019200, OMIM 268000. Inheritance: Autosomal dominant, autosomal recessive and X linked inheritance.

Allele frequency attached by ClinVar (database versions not stated): gnomAD 0.00066 and 0.00102; TOPMed 0.00076; ESP Exome Variant Server 0.00115; gnomAD exomes 0.00132 and 0.00231; ExAC 0.00247; 1000 Genomes Project 30x 0.00281; 1000 Genomes Project 0.00339.
gnomAD v4.1: 2,117 of 1,608,482 alleles (0.13%); highest among the groups gnomAD compares: South Asian, 1.2%; 23 homozygotes.

Submissions (4):

Labcorp Genetics (formerly Invitae), Labcorp
Classification: Benign. Last evaluated: 2026-02-01. Review status: criteria provided, single submitter. Criteria: Invitae Variant Classification Sherloc (09022015). Collection method: clinical testing. Allele origin: germline.

Blueprint Genetics
Classification: Likely benign. Last evaluated: 2024-11-22. Review status: criteria provided, single submitter. Criteria: ACMG Guidelines, 2015. Collection method: clinical testing. Allele origin: germline.

Illumina Laboratory Services, Illumina
Classification: Benign for Retinitis pigmentosa. Last evaluated: 2018-01-13. Review status: criteria provided, single submitter. Criteria: ICSL Variant Classification Criteria 13 December 2019. Collection method: clinical testing. Allele origin: germline.
Comment: This variant was observed in the ICSL laboratory as part of a predisposition screen in an ostensibly healthy population. It had not been previously curated by ICSL or reported in the Human Gene Mutation Database (HGMD: prior to June 1st, 2018), and was therefore a candidate for classification through an automated scoring system. Utilizing variant allele frequency, disease prevalence and penetrance estimates, and inheritance mode, an automated score was calculated to assess if this variant is too frequent to cause the disease. Based on the score and internal cut-off values, a variant classified as benign is not then subjected to further curation. The score for this variant resulted in a classification of benign for this disease.

Breakthrough Genomics
Classification: Benign. Review status: criteria provided, single submitter. Criteria: ACMG Guidelines, 2015. Collection method: not provided. Allele origin: germline. Inheritance: Autosomal dominant inheritance. Affected: yes.

NM_012469.4(PRPF6):c.2546+15C>T

Gene: PRPF6 (pre-mRNA processing factor 6; plus strand). Cytogenetic location: 20q13.33.
Variant type: single nucleotide variant.
Coding change: c.2546+15C>T on transcript NM_012469.4 (MANE Select); 15 bases into the intron after coding-DNA position 2546, C replaced by T.
Molecular consequence: intron variant.
Genome position (GRCh38, 1-based): chr20:64,029,506, C>T. VCF-style: chr20-64029506-C-T. GRCh37 (hg19) VCF-style: chr20-62660859-C-T.
Identifiers: ClinVar variation 339486 (VCV000339486.17), dbSNP rs200759872, ClinGen allele CA9972509.
Genomic context (GRCh38, chr20:64,029,506, plus strand): 5'-TGAAGAAGTGTGAGCATGACCCCCATGTGCTCCTGGCCGTGGCCAAGTGAGTGGGGCCCC[C>T]ACAGGATTGCTGAACCTCGGGGTCCTAATGGGCTCTTTTTCCAGAGTCTGTCTGCCTCTT-3'